The following is an entry in ClinVar:

ClinVar aggregate classification (germline): Uncertain significance (1 of 4 stars; one submission).

Conditions:
Inborn genetic diseases. Identifiers: MedGen C0950123, MeSH D030342.

Submission:

Ambry Genetics
Classification: Uncertain significance for Inborn genetic diseases. Last evaluated: 2025-07-14. Review status: criteria provided, single submitter. Criteria: Ambry Variant Classification Scheme 2023. Collection method: clinical testing. Allele origin: germline.
Comment: The p.V1488L variant (also known as c.4462G>C), located in coding exon 1 of the SAMD9L gene, results from a G to C substitution at nucleotide position 4462. The valine at codon 1488 is replaced by leucine, an amino acid with highly similar properties. This amino acid position is conserved. In addition, this alteration is predicted to be tolerated by in silico analysis. Based on the available evidence, the clinical significance of this variant remains unclear.

NM_152703.5(SAMD9L):c.4462G>C (p.Val1488Leu)

Gene: SAMD9L (sterile alpha motif domain containing 9 like; minus strand). Cytogenetic location: 7q21.2.
Variant type: single nucleotide variant.
Coding change: c.4462G>C on transcript NM_152703.5 (MANE Select); coding-DNA position 4462, G replaced by C.
Protein change: p.Val1488Leu; replaces valine 1488 with leucine.
Molecular consequence: missense variant.
Genome position (GRCh38, 1-based): chr7:93,131,510, C>G on the plus strand (G>C on the coding strand, the complement: SAMD9L is on the minus strand). VCF-style: chr7-93131510-C-G. GRCh37 (hg19) VCF-style: chr7-92760823-C-G.
Other names: c.4462G>C, p.Val1488Leu (NM_001303496.3, NM_001303497.3, NM_001303498.3 and 5 more transcripts); short protein forms V1488L.
Identifiers: ClinVar variation 4159332 (VCV004159332.1).